The following is an entry in ClinVar:

ClinVar aggregate classification (germline): Likely pathogenic. Review status: criteria provided, multiple submitters, no conflicts (2 of 4 stars). 2 submissions from 2 submitters: Likely pathogenic (2). Last evaluated 2024-11-07.

Conditions:
Polycystic lipomembranous osteodysplasia with sclerosing leukoencephalopathy 2. Also called: TREM2-Related Polycystic Lipomembranous Osteodysplasia with Sclerosing Leukoencephalopathy. Identifiers: MedGen C4748657, MONDO:0020750, OMIM 618193.

Submissions (2):

Revvity Omics, Revvity
Classification: Likely pathogenic for Polycystic lipomembranous osteodysplasia with sclerosing leukoencephalopathy 2. Last evaluated: 2024-11-07. Review status: criteria provided, single submitter. Criteria: ACMG Guidelines, 2015. Collection method: clinical testing. Allele origin: germline.

CeGaT Center for Human Genetics Tuebingen
Classification: Likely pathogenic. Last evaluated: 2024-08-01. Review status: criteria provided, single submitter. Criteria: CeGaT Center For Human Genetics Tuebingen Variant Classification Criteria Version 2. Collection method: clinical testing. Allele origin: germline. Affected: yes. Observed: 1 variant allele.
Comment: TREM2: PM3:Strong, PM2, PS3:Supporting

NM_018965.4(TREM2):c.257A>T (p.Asp86Val)

Gene: TREM2 (triggering receptor expressed on myeloid cells 2; minus strand). Cytogenetic location: 6p21.1.
Variant type: single nucleotide variant.
Coding change: c.257A>T on transcript NM_018965.4 (MANE Select); coding-DNA position 257, A replaced by T.
Protein change: p.Asp86Val; replaces aspartic acid 86 with valine.
Molecular consequence: missense variant.
Genome position (GRCh38, 1-based): chr6:41,161,397, T>A on the plus strand (A>T on the coding strand, the complement: TREM2 is on the minus strand). VCF-style: chr6-41161397-T-A. GRCh37 (hg19) VCF-style: chr6-41129135-T-A.
Other names: c.257A>T, p.Asp86Val (NM_001271821.2); short protein forms D86V.
Identifiers: ClinVar variation 3341881 (VCV003341881.17).